The following is an entry in ClinVar:

NM_017777.4(MKS1):c.1126dup (p.Thr376fs)

Gene: MKS1 (MKS transition zone complex subunit 1; minus strand). Cytogenetic location: 17q22.
Variant type: Duplication.
Coding change: c.1126dup on transcript NM_017777.4 (MANE Select); coding-DNA position 1126, one base duplicated (A; older notation c.1126dupA).
Protein change: p.Thr376fs; shifts the reading frame from threonine 376.
Molecular consequence: frameshift variant.
Genome position (GRCh38, 1-based): chr17:58,208,144, T duplicated on the plus strand (A on the coding strand, the reverse complement: MKS1 is on the minus strand). VCF-style (leftmost placement, unchanged base first): chr17-58208143-G-GT. GRCh37 (hg19) VCF-style: chr17-56285504-G-GT.
Other names: c.1126dupA (NM_017777.4); c.517dup, p.Thr173fs (NM_001321268.2); c.1126dup, p.Thr376fs (NM_001321269.2, NM_001330397.2); c.1126dup (NM_017777.3); short protein forms T173fs, T376fs.
Identifiers: ClinVar variation 1252059 (VCV001252059.15), dbSNP rs2143753386, ClinGen allele CA2573054496.

ClinVar aggregate classification (germline): Pathogenic/Likely pathogenic. Review status: criteria provided, multiple submitters, no conflicts (2 of 4 stars). 5 submissions from 5 submitters: Pathogenic (2); Likely pathogenic (2). 1 of the submissions does not count toward it. Last evaluated 2024-10-15.

Conditions:
Joubert syndrome. Also called: CEREBELLOPARENCHYMAL DISORDER IV; JOUBERT-BOLTSHAUSER SYNDROME; Familial aplasia of the vermis. Identifiers: Orphanet 475, MedGen C5979921, MONDO:0018772.
Meckel-Gruber syndrome. Also called: DYSENCEPHALIA SPLANCHNOCYSTICA; GRUBER SYNDROME; Dysencephalia splachnocystica. Identifiers: Orphanet 564, MedGen C0265215, MONDO:0018921.
Meckel syndrome, type 1 (MKS1). Also called: MECKEL-GRUBER SYNDROME, TYPE 1. Identifiers: Orphanet 564, MedGen C3714506, MONDO:0009571, OMIM 249000.

Allele frequency attached by ClinVar (database versions not stated): gnomAD exomes below 0.00001.

Submissions (5):

Natera, Inc.
Classification: Pathogenic for Meckel syndrome type 1. Last evaluated: 2024-10-15. Review status: criteria provided, single submitter. Criteria: Natera Variant Classification Schema (03/2026). Collection method: clinical testing. Allele origin: germline.
Comment: The c.1126dup variant in MKS1 is a frameshift variant predicted to shift the reading frame beginning at codon 376 and leads to a stop codon 3 codons downstream. This variant is expected to result in nonsense mediated decay, truncation, or a dysfunctional protein product. This variant is rare in the general population with a frequency below the threshold expected for the associated phenotype(s). This variant has been observed in one or more individuals affected with the associated recessive disease, as either homozygous or compound heterozygous with a second variant (PMID: 23169490). Given the available evidence, this variant is classified as Pathogenic.

Labcorp Genetics (formerly Invitae), Labcorp
Classification: Pathogenic for Joubert syndrome; Meckel-Gruber syndrome. Last evaluated: 2023-12-09. Review status: criteria provided, single submitter. Criteria: Invitae Variant Classification Sherloc (09022015). Collection method: clinical testing. Allele origin: germline.
Comment: This sequence change creates a premature translational stop signal (p.Thr376Asnfs*3) in the MKS1 gene. It is expected to result in an absent or disrupted protein product. Loss-of-function variants in MKS1 are known to be pathogenic (PMID: 19466712, 24886560, 26490104). This variant is not present in population databases (gnomAD no frequency). This premature translational stop signal has been observed in individual(s) with Meckel–Gruber syndrome (PMID: 23169490). ClinVar contains an entry for this variant (Variation ID: 1252059). Algorithms developed to predict the effect of sequence changes on RNA splicing suggest that this variant may disrupt the consensus splice site. For these reasons, this variant has been classified as Pathogenic.

Revvity Omics, Revvity
Classification: Likely pathogenic. Last evaluated: 2022-01-10. Review status: criteria provided, single submitter. Criteria: ACMG Guidelines, 2015. Collection method: clinical testing. Allele origin: germline.

Pathology and Clinical Laboratory Medicine, King Fahad Medical City
Classification: Likely pathogenic for Meckel syndrome, type 1. Review status: criteria provided, single submitter. Criteria: ACMG Guidelines, 2015. Collection method: clinical testing. Allele origin: germline. Affected: yes. Observed: 3 variant alleles.

Genomic Medicine Center of Excellence, King Faisal Specialist Hospital and Research Centre
Classification: Pathogenic for Meckel syndrome, type 1. Last evaluated: 2021-04-29. Review status: no assertion criteria provided. Collection method: research. Allele origin: germline. Affected: yes. Not counted in ClinVar's aggregate classification.

Literature cited by the submitters: PubMed 23169490 (cited by Natera, Inc. and Labcorp Genetics (formerly Invitae), Labcorp); PubMed 19466712 (cited by Labcorp Genetics (formerly Invitae), Labcorp); PubMed 24886560 (cited by Labcorp Genetics (formerly Invitae), Labcorp); PubMed 26490104 (cited by Labcorp Genetics (formerly Invitae), Labcorp).